The following is an entry in ClinVar:

ClinVar aggregate classification (germline): Uncertain significance. Review status: criteria provided, multiple submitters, no conflicts (2 of 4 stars). 3 submissions from 3 submitters: Uncertain significance (3). Last evaluated 2026-07-07.

Conditions:
Supravalvar aortic stenosis (SVAS). Also called: Supravalvar aortic stenosis, Eisenberg type. Identifiers: Orphanet 3193, MedGen C0003499, MONDO:0008504, OMIM 185500, HP:0004381.
Inborn genetic diseases. Identifiers: MedGen C0950123, MeSH D030342.

Allele frequency attached by ClinVar (database versions not stated): TOPMed 0.00002; gnomAD 0.00003; ExAC 0.00006.
gnomAD v4.1: 89 of 1,613,228 alleles (0.0055%); highest among the groups gnomAD compares: South Asian, 0.024%; no homozygotes.

Submissions (3):

GeneDx
Classification: Uncertain significance. Last evaluated: 2026-07-07. Review status: criteria provided, single submitter. Criteria: GeneDx Variant Classification Process June 2021. Collection method: clinical testing. Allele origin: germline.
Comment: In silico analysis suggests that this missense variant does not alter protein structure/function; Has not been previously published as pathogenic or benign to our knowledge

Ambry Genetics
Classification: Uncertain significance for Inborn genetic diseases. Last evaluated: 2025-03-03. Review status: criteria provided, single submitter. Criteria: Ambry Variant Classification Scheme 2023. Collection method: clinical testing. Allele origin: germline.

Labcorp Genetics (formerly Invitae), Labcorp
Classification: Uncertain significance for Supravalvar aortic stenosis. Last evaluated: 2024-02-25. Review status: criteria provided, single submitter. Criteria: Invitae Variant Classification Sherloc (09022015). Collection method: clinical testing. Allele origin: germline.
Comment: This sequence change replaces alanine, which is neutral and non-polar, with threonine, which is neutral and polar, at codon 498 of the ELN protein (p.Ala498Thr). This variant is present in population databases (rs782700997, gnomAD 0.05%), and has an allele count higher than expected for a pathogenic variant. This variant has not been reported in the literature in individuals affected with ELN-related conditions. ClinVar contains an entry for this variant (Variation ID: 1982977). Advanced modeling of protein sequence and biophysical properties (such as structural, functional, and spatial information, amino acid conservation, physicochemical variation, residue mobility, and thermodynamic stability) performed at Invitae indicates that this missense variant is not expected to disrupt ELN protein function with a negative predictive value of 80%. In summary, the available evidence is currently insufficient to determine the role of this variant in disease. Therefore, it has been classified as a Variant of Uncertain Significance.

NM_000501.4(ELN):c.1405G>A (p.Ala469Thr)

Gene: ELN (elastin; plus strand). Cytogenetic location: 7q11.23.
Variant type: single nucleotide variant.
Coding change: c.1405G>A on transcript NM_000501.4 (MANE Select); coding-DNA position 1405, G replaced by A.
Protein change: p.Ala469Thr; replaces alanine 469 with threonine.
Molecular consequence: missense variant. On other transcripts: intron variant (7).
Genome position (GRCh38, 1-based): chr7:74,057,687, G>A. VCF-style: chr7-74057687-G-A. GRCh37 (hg19) VCF-style: chr7-73472017-G-A.
Other names: c.1420G>A, p.Ala474Thr (NM_001081754.3); c.1405G>A, p.Ala469Thr (NM_001278912.2, NM_001278915.2); c.1375G>A, p.Ala459Thr (NM_001278917.2); c.1492G>A, p.Ala498Thr (NM_001278939.2); c.1372+974G>A (NM_001081753.3); c.1357+974G>A (NM_001081755.3); c.1315+974G>A (NM_001278916.2); c.1171+974G>A (NM_001278913.2); and 4 more; short protein forms A459T, A469T, A498T, A474T.
Identifiers: ClinVar variation 1982977 (VCV001982977.7), dbSNP rs782700997, ClinGen allele CA4293019.